The following is an entry in ClinVar:

NM_000038.6(APC):c.4662A>G (p.Glu1554=)

Gene: APC (APC regulator of Wnt signaling pathway; plus strand). Cytogenetic location: 5q22.2.
Variant type: single nucleotide variant.
Coding change: c.4662A>G on transcript NM_000038.6 (MANE Select); coding-DNA position 4662, A replaced by G.
Protein change: p.Glu1554=; no amino-acid change (glutamic acid 1554 retained).
Molecular consequence: synonymous variant. On other transcripts: non-coding transcript variant (2).
Genome position (GRCh38, 1-based): chr5:112,840,256, A>G. VCF-style: chr5-112840256-A-G. GRCh37 (hg19) VCF-style: chr5-112175953-A-G.
Other names: c.4662A>G, p.Glu1554= (NM_001127510.3, NM_001354895.2, NM_001407450.1); c.4608A>G, p.Glu1536= (NM_001127511.3); c.4716A>G, p.Glu1572= (NM_001354896.2, NM_001407447.1, NM_001407448.1 and 1 more transcripts); c.4692A>G, p.Glu1564= (NM_001354897.2); c.4587A>G, p.Glu1529= (NM_001354898.2); c.4578A>G, p.Glu1526= (NM_001354899.2); c.4539A>G, p.Glu1513= (NM_001354900.2); c.4485A>G, p.Glu1495= (NM_001354901.2, NM_001407453.1); and 11 more.
Identifiers: ClinVar variation 3147997 (VCV003147997.1), dbSNP rs2149920450, ClinGen allele CA446206653.

ClinVar aggregate classification (germline): Benign (1 of 4 stars; one submission).

Conditions:
Familial adenomatous polyposis 1 (FAP1). Also called: POLYPOSIS, ADENOMATOUS INTESTINAL; FAMILIAL ADENOMATOUS POLYPOSIS 1, ATTENUATED. Identifiers: MedGen C2713442, MONDO:0021056, OMIM 175100. Disease mechanism: loss of function.

Submission:

Myriad Genetics, Inc.
Classification: Benign for Familial adenomatous polyposis 1. Last evaluated: 2024-03-27. Review status: criteria provided, single submitter. Criteria: Myriad Autosomal Dominant, Autosomal Recessive and X-Linked Classification Criteria (2023). Collection method: clinical testing. Allele origin: unknown.
Comment: This variant is considered benign. This variant is a silent/synonymous amino acid change and it is not expected to impact splicing.